The following is an entry in ClinVar:

ClinVar aggregate classification (germline): Pathogenic (1 of 4 stars; one submission).

Submission:

GeneDx
Classification: Pathogenic. Last evaluated: 2017-08-18. Review status: criteria provided, single submitter. Criteria: GeneDx Variant Classification (06012015). Collection method: clinical testing. Allele origin: germline. Affected: yes.
Comment: The c.937delT variant in the COLQ gene has not been reported previously as a pathogenic variant nor as a benign variant, to our knowledge. The c.937delT variant causes a frameshift starting with codon Serine 313, changes this amino acid to a Proline residue, and creates a premature Stop codon at position 6 of the new reading frame, denoted p.Ser313ProfsX6. This variant is predicted to cause loss of normal protein function either through protein truncation or nonsense-mediated mRNA decay. The c.937delT variant is not observed in large population cohorts (Lek et al., 2016; 1000 Genomes Consortium et al., 2015; Exome Variant Server). We interpret c.937delT as a pathogenic variant.

NM_005677.4(COLQ):c.937del (p.Ser313fs)

Gene: COLQ (collagen like tail subunit of asymmetric acetylcholinesterase; minus strand). Cytogenetic location: 3p25.1.
Variant type: Deletion.
Coding change: c.937del on transcript NM_005677.4 (MANE Select); coding-DNA position 937, one base deleted (T; older notation c.937delT).
Protein change: p.Ser313fs; shifts the reading frame from serine 313.
Molecular consequence: frameshift variant.
Genome position (GRCh38, 1-based): chr3:15,458,203, A deleted on the plus strand (T on the coding strand, the reverse complement: COLQ is on the minus strand); the first of 2 consecutive A bases (chr3:15,458,203-15,458,204); deleting either gives the same sequence. VCF-style (leftmost placement, unchanged base first): chr3-15458202-GA-G. GRCh37 (hg19) VCF-style: chr3-15499709-GA-G.
Other names: c.907del, p.Ser303fs (NM_080538.2); c.835del, p.Ser279fs (NM_080539.4); short protein forms S303fs, S313fs, S279fs.
Identifiers: ClinVar variation 451607 (VCV000451607.2), dbSNP rs1553634790, ClinGen allele CA658657276.
Genomic context (GRCh38, chr3:15,458,202, plus strand): 5'-GTCCTCACGGATAACCACCCCAGACTTCTCCCAGAAAGCCTTACCACAGGAACTCGCGGG[GA>G]ACTGGGCCCATACACAGATTCCCCGTAGGAAGGGTTATTCACATTCATAGTGGGTCCACA-3'